The following is an entry in ClinVar:

NM_017491.5(WDR1):c.569G>A (p.Arg190His)

Gene: WDR1 (WD repeat domain 1; minus strand). Cytogenetic location: 4p16.1.
Variant type: single nucleotide variant.
Coding change: c.569G>A on transcript NM_017491.5 (MANE Select); coding-DNA position 569, G replaced by A.
Protein change: p.Arg190His; replaces arginine 190 with histidine.
Molecular consequence: missense variant.
Genome position (GRCh38, 1-based): chr4:10,088,731, C>T on the plus strand (G>A on the coding strand, the complement: WDR1 is on the minus strand). VCF-style: chr4-10088731-C-T. GRCh37 (hg19) VCF-style: chr4-10090355-C-T.
Other names: c.149G>A, p.Arg50His (NM_005112.5); short protein forms R50H, R190H.
Identifiers: ClinVar variation 2134581 (VCV002134581.4), dbSNP rs747332510, ClinGen allele CA2857980.
Genomic context (GRCh38, chr4:10,088,731, plus strand): 5'-TCAGCACTGGCTGTGGCAAATCTGTTCCCATCAGGAGAGAATCGCACACAGTTGACAAAG[C>T]GGCTGTGGTCCTGCAGGAAAACAATTACCTGCCTGATGAGGGGCCGCAGGCCTGACTCTA-3'
Protein context (NP_059830.1, residues 180-200): KFKFTIGDHS[Arg190His]FVNCVRFSPD

ClinVar aggregate classification (germline): Uncertain significance (1 of 4 stars; one submission).

Allele frequency attached by ClinVar (database versions not stated): gnomAD exomes below 0.00001; gnomAD 0.00001; TOPMed 0.00001; ExAC 0.00002.
gnomAD v4.1: 5 of 1,600,596 alleles (0.00031%); highest among the groups gnomAD compares: South Asian, 0.0023%; no homozygotes.

Submission:

Labcorp Genetics (formerly Invitae), Labcorp
Classification: Uncertain significance. Last evaluated: 2023-10-13. Review status: criteria provided, single submitter. Criteria: Invitae Variant Classification Sherloc (09022015). Collection method: clinical testing. Allele origin: germline.
Comment: This sequence change replaces arginine, which is basic and polar, with histidine, which is basic and polar, at codon 190 of the WDR1 protein (p.Arg190His). The frequency data for this variant in the population databases is considered unreliable, as metrics indicate poor data quality at this position in the gnomAD database. This variant has not been reported in the literature in individuals affected with WDR1-related conditions. ClinVar contains an entry for this variant (Variation ID: 2134581). An algorithm developed to predict the effect of missense changes on protein structure and function (PolyPhen-2) suggests that this variant is likely to be disruptive. In summary, the available evidence is currently insufficient to determine the role of this variant in disease. Therefore, it has been classified as a Variant of Uncertain Significance.